The following is an entry in ClinVar:

NM_000368.5(TSC1):c.2744dup (p.His915fs)

Gene: TSC1 (TSC complex subunit 1; minus strand). Cytogenetic location: 9q34.13.
Variant type: Duplication.
Coding change: c.2744dup on transcript NM_000368.5 (MANE Select); coding-DNA position 2744, one base duplicated (A; older notation c.2744dupA).
Protein change: p.His915fs; shifts the reading frame from histidine 915.
Molecular consequence: frameshift variant.
Genome position (GRCh38, 1-based): chr9:132,897,492, T duplicated on the plus strand (A on the coding strand, the reverse complement: TSC1 is on the minus strand). VCF-style (leftmost placement, unchanged base first): chr9-132897491-G-GT. GRCh37 (hg19) VCF-style: chr9-135772878-G-GT.
Other names: c.2726dup, p.His909Glnfs (NM_001406604.1, NM_001406603.1); c.2702dup, p.His901Glnfs (NM_001406605.1, NM_001406606.1, NM_001406607.1); c.2588dup, p.His863Glnfs (NM_001406611.1, NM_001406612.1); c.2546dup, p.His849Glnfs (NM_001406613.1); c.2381dup, p.His794Glnfs (NM_001406614.1, NM_001406615.1, NM_001406616.1 and 3 more transcripts); c.2699dup, p.His900Glnfs (NM_001406608.1, NM_001406609.1); c.2591dup, p.His864Glnfs (NM_001406610.1); c.2378dup, p.His793Glnfs (NM_001406620.1, NM_001406621.1, NM_001406622.1 and 1 more transcripts); and 11 more; short protein forms H864fs, H794fs, H914fs, H915fs.
Identifiers: ClinVar variation 2100106 (VCV002100106.4), dbSNP rs2538490493, ClinGen allele CA2580080111.

ClinVar aggregate classification (germline): Pathogenic (1 of 4 stars; one submission).

Conditions:
Tuberous sclerosis 1 (TSC1). Identifiers: Orphanet 805, MedGen C1854465, MONDO:0008612, OMIM 191100.

Submission:

Labcorp Genetics (formerly Invitae), Labcorp
Classification: Pathogenic for Tuberous sclerosis 1. Last evaluated: 2022-02-20. Review status: criteria provided, single submitter. Criteria: Invitae Variant Classification Sherloc (09022015). Collection method: clinical testing. Allele origin: germline.
Comment: For these reasons, this variant has been classified as Pathogenic. This variant has not been reported in the literature in individuals affected with TSC1-related conditions. This variant is not present in population databases (gnomAD no frequency). This sequence change creates a premature translational stop signal (p.His915Glnfs*35) in the TSC1 gene. It is expected to result in an absent or disrupted protein product. Loss-of-function variants in TSC1 are known to be pathogenic (PMID: 10227394, 17304050).

Literature cited by the submitters: PubMed 10227394; PubMed 17304050.